The following is an entry in ClinVar:

ClinVar aggregate classification (germline): Uncertain significance. Review status: criteria provided, multiple submitters, no conflicts (2 of 4 stars). 4 submissions from 4 submitters: Uncertain significance (4). Last evaluated 2025-09-10.

Conditions:
Inborn genetic diseases. Identifiers: MedGen C0950123, MeSH D030342.
Age related macular degeneration 4. Identifiers: MedGen C1853147, MONDO:0012540, OMIM 610698.
Factor H deficiency (CFHD). Also called: COMPLEMENT FACTOR H DEFICIENCY; CFH DEFICIENCY. Identifiers: Orphanet 200421, MedGen C0398777, MONDO:0012350, OMIM 609814.
Basal laminar drusen. Also called: DRUSEN OF BRUCH MEMBRANE; DRUSEN, CUTICULAR; DRUSEN, EARLY ADULT-ONSET, GROUPED. Identifiers: Orphanet 75376, MedGen C0730295, MONDO:0007472, OMIM 126700.
Hemolytic uremic syndrome, atypical, susceptibility to, 1. Also called: AHUS, SUSCEPTIBILITY TO, 1. Identifiers: Orphanet 2134, Orphanet 90038, MedGen C2749604, MONDO:0009335, OMIM 235400. Disease mechanism: Other.

Allele frequency attached by ClinVar (database versions not stated): gnomAD exomes 0.00001.
gnomAD v4.1: 7 of 1,608,812 alleles (0.00044%); highest among the groups gnomAD compares: Non-Finnish European, 0.0006%; no homozygotes.

Submissions (4):

Ambry Genetics
Classification: Uncertain significance for Inborn genetic diseases. Last evaluated: 2025-09-10. Review status: criteria provided, single submitter. Criteria: Ambry Variant Classification Scheme 2023. Collection method: clinical testing. Allele origin: germline.

Fulgent Genetics
Classification: Uncertain significance for Basal laminar drusen; Hemolytic uremic syndrome, atypical, susceptibility to, 1; Factor H deficiency; Age related macular degeneration 4. Last evaluated: 2024-01-20. Review status: criteria provided, single submitter. Criteria: ACMG Guidelines, 2015. Collection method: clinical testing. Allele origin: germline.

Labcorp Genetics (formerly Invitae), Labcorp
Classification: Uncertain significance. Last evaluated: 2022-07-14. Review status: criteria provided, single submitter. Criteria: Invitae Variant Classification Sherloc (09022015). Collection method: clinical testing. Allele origin: germline.
Comment: This variant has not been reported in the literature in individuals affected with CFH-related conditions. In summary, the available evidence is currently insufficient to determine the role of this variant in disease. Therefore, it has been classified as a Variant of Uncertain Significance. Algorithms developed to predict the effect of missense changes on protein structure and function output the following: SIFT: "Tolerated"; PolyPhen-2: "Benign"; Align-GVGD: "Class C0". The isoleucine amino acid residue is found in multiple mammalian species, which suggests that this missense change does not adversely affect protein function. This variant is not present in population databases (gnomAD no frequency). This sequence change replaces valine, which is neutral and non-polar, with isoleucine, which is neutral and non-polar, at codon 17 of the CFH protein (p.Val17Ile).

Blueprint Genetics
Classification: Uncertain significance. Last evaluated: 2021-03-01. Review status: criteria provided, single submitter. Criteria: ACMG Guidelines, 2015. Collection method: clinical testing. Allele origin: germline.

NM_000186.4(CFH):c.49G>A (p.Val17Ile)

Gene: CFH (complement factor H; plus strand). Cytogenetic location: 1q31.3.
Variant type: single nucleotide variant.
Coding change: c.49G>A on transcript NM_000186.4 (MANE Select); coding-DNA position 49, G replaced by A.
Protein change: p.Val17Ile; replaces valine 17 with isoleucine.
Molecular consequence: missense variant.
Genome position (GRCh38, 1-based): chr1:196,652,166, G>A. VCF-style: chr1-196652166-G-A. GRCh37 (hg19) VCF-style: chr1-196621296-G-A.
Other names: c.49G>A, p.Val17Ile (NM_001014975.3); short protein forms V17I.
Identifiers: ClinVar variation 1717387 (VCV001717387.8), dbSNP rs2529283859, ClinGen allele CA343989037.